The following is an entry in ClinVar:

ClinVar aggregate classification (germline): Uncertain significance (1 of 4 stars; one submission).

Conditions:
Familial adenomatous polyposis 1 (FAP1). Also called: FAMILIAL ADENOMATOUS POLYPOSIS 1, ATTENUATED; POLYPOSIS, ADENOMATOUS INTESTINAL. Identifiers: MedGen C2713442, MONDO:0021056, OMIM 175100. Disease mechanism: loss of function.

Submission:

Labcorp Genetics (formerly Invitae), Labcorp
Classification: Uncertain significance for Familial adenomatous polyposis 1. Last evaluated: 2022-06-16. Review status: criteria provided, single submitter. Criteria: Invitae Variant Classification Sherloc (09022015). Collection method: clinical testing. Allele origin: germline.
Comment: This variant is not present in population databases (gnomAD no frequency). This sequence change replaces glycine, which is neutral and non-polar, with valine, which is neutral and non-polar, at codon 2171 of the APC protein (p.Gly2171Val). Algorithms developed to predict the effect of missense changes on protein structure and function are either unavailable or do not agree on the potential impact of this missense change (SIFT: "Deleterious"; PolyPhen-2: "Possibly Damaging"; Align-GVGD: "Class C15"). This variant has not been reported in the literature in individuals affected with APC-related conditions. In summary, the available evidence is currently insufficient to determine the role of this variant in disease. Therefore, it has been classified as a Variant of Uncertain Significance.

NM_000038.6(APC):c.6512G>T (p.Gly2171Val)

Gene: APC (APC regulator of Wnt signaling pathway; plus strand). Cytogenetic location: 5q22.2.
Variant type: single nucleotide variant.
Coding change: c.6512G>T on transcript NM_000038.6 (MANE Select); coding-DNA position 6512, G replaced by T.
Protein change: p.Gly2171Val; replaces glycine 2171 with valine.
Molecular consequence: missense variant.
Genome position (GRCh38, 1-based): chr5:112,842,106, G>T. VCF-style: chr5-112842106-G-T. GRCh37 (hg19) VCF-style: chr5-112177803-G-T.
Other names: c.6512G>T, p.Gly2171Val (NM_001127510.3, NM_001354895.2, NM_001407450.1); c.6458G>T, p.Gly2153Val (NM_001127511.3); c.6566G>T, p.Gly2189Val (NM_001354896.2, NM_001407447.1, NM_001407448.1 and 1 more transcripts); c.6542G>T, p.Gly2181Val (NM_001354897.2); c.6437G>T, p.Gly2146Val (NM_001354898.2); c.6428G>T, p.Gly2143Val (NM_001354899.2); c.6389G>T, p.Gly2130Val (NM_001354900.2); c.6335G>T, p.Gly2112Val (NM_001354901.2, NM_001407453.1); and 11 more; short protein forms G1888V, G2088V, G2171V, G2011V, G2042V, G2045V, G2146V, G2153V.
Identifiers: ClinVar variation 2007437 (VCV002007437.4), dbSNP rs748745776, ClinGen allele CA16035578.
Genomic context (GRCh38, chr5:112,842,106, plus strand): 5'-CACCTGATCAAGAAGAAAAACCCTTTACAAGTAATAAAGGCCCACGAATTCTAAAACCAG[G>T]GGAGAAAAGTACATTGGAAACTAAAAAGATAGAATCTGAAAGTAAAGGAATCAAAGGAGG-3'
Protein context (NP_000029.2, residues 2161-2181): SNKGPRILKP[Gly2171Val]EKSTLETKKI